The following is an entry in ClinVar:

NM_001611.5(ACP5):c.316G>A (p.Val106Met)

Gene: ACP5 (acid phosphatase 5, tartrate resistant; minus strand). Cytogenetic location: 19p13.2.
Variant type: single nucleotide variant.
Coding change: c.316G>A on transcript NM_001611.5 (MANE Select); coding-DNA position 316, G replaced by A.
Protein change: p.Val106Met; replaces valine 106 with methionine.
Molecular consequence: missense variant.
Genome position (GRCh38, 1-based): chr19:11,576,789, C>T on the plus strand (G>A on the coding strand, the complement: ACP5 is on the minus strand). VCF-style: chr19-11576789-C-T. GRCh37 (hg19) VCF-style: chr19-11687604-C-T.
Other names: c.316G>A, p.Val106Met (LRG_1218t1, NM_001111034.3, NM_001111035.3 and 2 more transcripts); short protein forms V106M.
Identifiers: ClinVar variation 651241 (VCV000651241.11), dbSNP rs148219285, ClinGen allele CA9215449.

ClinVar aggregate classification (germline): Uncertain significance. Review status: criteria provided, multiple submitters, no conflicts (2 of 4 stars). 4 submissions from 4 submitters: Uncertain significance (4). Last evaluated 2024-09-17.

Conditions:
Inborn genetic diseases. Identifiers: MedGen C0950123, MeSH D030342.
Spondyloenchondrodysplasia with immune dysregulation (SPENCDI). Also called: ROIFMAN IMMUNOSKELETAL SYNDROME; SPONDYLOENCHONDRODYSPLASIA WITH OR WITHOUT IMMUNE DYSREGULATION; COMBINED IMMUNODEFICIENCY WITH AUTOIMMUNITY AND SPONDYLOMETAPHYSEAL DYSPLASIA. Identifiers: Orphanet 1855, MedGen C1842763, MONDO:0011939, OMIM 607944.

Allele frequency attached by ClinVar (database versions not stated): ExAC 0.00009; 1000 Genomes Project 30x 0.00016; gnomAD 0.00016 and 0.00018; 1000 Genomes Project 0.00020; gnomAD exomes 0.00020; ESP Exome Variant Server 0.00023; TOPMed 0.00023.
gnomAD v4.1: 570 of 1,614,086 alleles (0.035%); highest among the groups gnomAD compares: Non-Finnish European, 0.042%; no homozygotes.

Submissions (4):

Blueprint Genetics
Classification: Uncertain significance. Last evaluated: 2024-09-17. Review status: criteria provided, single submitter. Criteria: ACMG Guidelines, 2015. Collection method: clinical testing. Allele origin: germline.

Labcorp Genetics (formerly Invitae), Labcorp
Classification: Uncertain significance for Spondyloenchondrodysplasia with immune dysregulation. Last evaluated: 2024-01-08. Review status: criteria provided, single submitter. Criteria: Invitae Variant Classification Sherloc (09022015). Collection method: clinical testing. Allele origin: germline.
Comment: This sequence change replaces valine, which is neutral and non-polar, with methionine, which is neutral and non-polar, at codon 106 of the ACP5 protein (p.Val106Met). This variant is present in population databases (rs148219285, gnomAD 0.04%). This variant has not been reported in the literature in individuals affected with ACP5-related conditions. ClinVar contains an entry for this variant (Variation ID: 651241). Advanced modeling of protein sequence and biophysical properties (such as structural, functional, and spatial information, amino acid conservation, physicochemical variation, residue mobility, and thermodynamic stability) performed at Invitae indicates that this missense variant is not expected to disrupt ACP5 protein function with a negative predictive value of 80%. In summary, the available evidence is currently insufficient to determine the role of this variant in disease. Therefore, it has been classified as a Variant of Uncertain Significance.

Ambry Genetics
Classification: Uncertain significance for Inborn genetic diseases. Last evaluated: 2022-07-26. Review status: criteria provided, single submitter. Criteria: Ambry Variant Classification Scheme 2023. Collection method: clinical testing. Allele origin: germline.

GeneDx
Classification: Uncertain significance. Last evaluated: 2022-04-04. Review status: criteria provided, single submitter. Criteria: GeneDx Variant Classification Process June 2021. Collection method: clinical testing. Allele origin: germline. Affected: yes.
Comment: In silico analysis supports that this missense variant does not alter protein structure/function; Has not been previously published as pathogenic or benign to our knowledge